The following is an entry in ClinVar:

ClinVar aggregate classification (germline): Uncertain significance (1 of 4 stars; one submission).

Allele frequency attached by ClinVar (database versions not stated): TOPMed below 0.00001; gnomAD 0.00001.
gnomAD v4.1: 1 of 1,613,862 alleles (0.000062%); highest among the groups gnomAD compares: Non-Finnish European, 0.000085%; no homozygotes.

Submission:

Labcorp Genetics (formerly Invitae), Labcorp
Classification: Uncertain significance. Last evaluated: 2021-10-09. Review status: criteria provided, single submitter. Criteria: Invitae Variant Classification Sherloc (09022015). Collection method: clinical testing. Allele origin: germline.
Comment: This variant is not present in population databases (ExAC no frequency). In summary, the available evidence is currently insufficient to determine the role of this variant in disease. Therefore, it has been classified as a Variant of Uncertain Significance. Algorithms developed to predict the effect of missense changes on protein structure and function (SIFT, PolyPhen-2, Align-GVGD) all suggest that this variant is likely to be tolerated. This variant has not been reported in the literature in individuals affected with SLC25A12-related conditions. This sequence change replaces asparagine with lysine at codon 140 of the SLC25A12 protein (p.Asn140Lys). The asparagine residue is moderately conserved and there is a moderate physicochemical difference between asparagine and lysine.

NM_003705.5(SLC25A12):c.420C>A (p.Asn140Lys)

Gene: SLC25A12 (solute carrier family 25 member 12; minus strand). Cytogenetic location: 2q31.1.
Variant type: single nucleotide variant.
Coding change: c.420C>A on transcript NM_003705.5 (MANE Select); coding-DNA position 420, C replaced by A.
Protein change: p.Asn140Lys; replaces asparagine 140 with lysine.
Molecular consequence: missense variant. On other transcripts: non-coding transcript variant (1).
Genome position (GRCh38, 1-based): chr2:171,844,414, G>T on the plus strand (C>A on the coding strand, the complement: SLC25A12 is on the minus strand). VCF-style: chr2-171844414-G-T. GRCh37 (hg19) VCF-style: chr2-172700924-G-T.
Other names: short protein forms N140K.
Identifiers: ClinVar variation 1418170 (VCV001418170.6), dbSNP rs1333655525, ClinGen allele CA349625644.